The following is an entry in ClinVar:

ClinVar aggregate classification (germline): Pathogenic (1 of 4 stars; one submission).

Conditions:
Primary immunodeficiency with post-measles-mumps-rubella vaccine viral infection. Also called: Immunodeficiency 44. Identifiers: Orphanet 431166, MedGen C4225260, MONDO:0014715, OMIM 616636.

Submission:

Labcorp Genetics (formerly Invitae), Labcorp
Classification: Pathogenic for Primary immunodeficiency with post-measles-mumps-rubella vaccine viral infection. Last evaluated: 2023-07-17. Review status: criteria provided, single submitter. Criteria: Invitae Variant Classification Sherloc (09022015). Collection method: clinical testing. Allele origin: germline.
Comment: This variant is not present in population databases (gnomAD no frequency). For these reasons, this variant has been classified as Pathogenic. ClinVar contains an entry for this variant (Variation ID: 1453440). This variant has not been reported in the literature in individuals affected with STAT2-related conditions. This sequence change creates a premature translational stop signal (p.Gly609Alafs*33) in the STAT2 gene. It is expected to result in an absent or disrupted protein product. Loss-of-function variants in STAT2 are known to be pathogenic (PMID: 23391734, 26122121).

Literature cited by the submitters: PubMed 23391734; PubMed 26122121.

NM_005419.4(STAT2):c.1826del (p.Gly609fs)

Gene: STAT2 (signal transducer and activator of transcription 2; minus strand). Cytogenetic location: 12q13.3.
Variant type: Deletion.
Coding change: c.1826del on transcript NM_005419.4 (MANE Select); coding-DNA position 1826, one base deleted (G; older notation c.1826delG).
Protein change: p.Gly609fs; shifts the reading frame from glycine 609.
Molecular consequence: frameshift variant.
Genome position (GRCh38, 1-based): chr12:56,346,854, C deleted on the plus strand (G on the coding strand, the reverse complement: STAT2 is on the minus strand); the first of 5 consecutive C bases (chr12:56,346,854-56,346,858); deleting any one gives the same sequence. VCF-style (leftmost placement, unchanged base first): chr12-56346853-GC-G. GRCh37 (hg19) VCF-style: chr12-56740637-GC-G.
Other names: c.1793del, p.Gly598fs (NM_001385110.1); c.1727del, p.Gly576fs (NM_001385111.1); c.1826del, p.Gly609fs (NM_001385113.1); c.1805del, p.Gly602fs (NM_001385114.1); c.1784del, p.Gly595fs (NM_001385115.1); c.1814del, p.Gly605fs (NM_198332.2); short protein forms G576fs, G602fs, G598fs, G609fs, G595fs, G605fs.
Identifiers: ClinVar variation 1453440 (VCV001453440.6), dbSNP rs2136044173, ClinGen allele CA2573148818.